The following is an entry in ClinVar:

NM_001283009.2(RTEL1):c.509G>A (p.Arg170His)

Genes: RTEL1-TNFRSF6B (RTEL1-TNFRSF6B readthrough (NMD candidate); plus strand), RTEL1 (regulator of telomere elongation helicase 1; plus strand). Cytogenetic location: 20q13.33.
Variant type: single nucleotide variant.
Coding change: c.509G>A on transcript NM_001283009.2 (MANE Select); coding-DNA position 509, G replaced by A.
Protein change: p.Arg170His; replaces arginine 170 with histidine.
Molecular consequence: missense variant. On other transcripts: non-coding transcript variant (1), 5 prime UTR variant (1).
Genome position (GRCh38, 1-based): chr20:63,662,860, G>A. VCF-style: chr20-63662860-G-A. GRCh37 (hg19) VCF-style: chr20-62294213-G-A.
Other names: c.-161G>A (NM_001283010.1); c.509G>A, p.Arg170His (NM_016434.4); c.581G>A, p.Arg194His (NM_032957.5); c.581G>A (NM_032957.4); short protein forms R170H, R194H.
Identifiers: ClinVar variation 844436 (VCV000844436.11), dbSNP rs750794827, ClinGen allele CA9964306.

ClinVar aggregate classification (germline): Uncertain significance. Review status: criteria provided, multiple submitters, no conflicts (2 of 4 stars). 4 submissions from 4 submitters: Uncertain significance (3). 1 of the submissions does not count toward it. Last evaluated 2025-07-03.

Conditions:
Pulmonary fibrosis and/or bone marrow failure, Telomere-related, 3. Also called: PULMONARY FIBROSIS AND/OR BONE MARROW FAILURE SYNDROME, TELOMERE-RELATED, 3. Identifiers: Orphanet 2032, MedGen C4225346, MONDO:0014613, OMIM 616373.
Dyskeratosis congenita, autosomal recessive 5 (DKCB5). Identifiers: MedGen C3554656, MONDO:0014076, OMIM 615190.
Inborn genetic diseases. Identifiers: MedGen C0950123, MeSH D030342.
Dyskeratosis congenita. Identifiers: Orphanet 1775, MedGen C0265965, MONDO:0015780.

Allele frequency attached by ClinVar (database versions not stated): TOPMed below 0.00001; ExAC 0.00001; gnomAD 0.00001.
gnomAD v4.1: 11 of 1,613,866 alleles (0.00068%); highest among the groups gnomAD compares: South Asian, 0.0022%; no homozygotes.

Submissions (4):

Labcorp Genetics (formerly Invitae), Labcorp
Classification: Uncertain significance for Dyskeratosis congenita, autosomal recessive 5; Pulmonary fibrosis and/or bone marrow failure, Telomere-related, 3. Last evaluated: 2025-07-03. Review status: criteria provided, single submitter. Criteria: Invitae Variant Classification Sherloc (09022015). Collection method: clinical testing. Allele origin: germline.
Comment: This sequence change replaces arginine, which is basic and polar, with histidine, which is basic and polar, at codon 170 of the RTEL1 protein (p.Arg170His). This variant is present in population databases (rs750794827, gnomAD 0.0009%). This variant has not been reported in the literature in individuals affected with RTEL1-related conditions. ClinVar contains an entry for this variant (Variation ID: 844436). An algorithm developed to predict the effect of missense changes on protein structure and function outputs the following: PolyPhen-2: "Benign". The histidine amino acid residue is found in multiple mammalian species, which suggests that this missense change does not adversely affect protein function. In summary, the available evidence is currently insufficient to determine the role of this variant in disease. Therefore, it has been classified as a Variant of Uncertain Significance.

Ambry Genetics
Classification: Uncertain significance for Inborn genetic diseases. Last evaluated: 2022-12-23. Review status: criteria provided, single submitter. Criteria: Ambry Variant Classification Scheme 2023. Collection method: clinical testing. Allele origin: germline.
Comment: The p.R194H variant (also known as c.581G>A), located in coding exon 5 of the RTEL1 gene, results from a G to A substitution at nucleotide position 581. The arginine at codon 194 is replaced by histidine, an amino acid with highly similar properties. This amino acid position is conserved. In addition, this alteration is predicted to be tolerated by in silico analysis. Since supporting evidence is limited at this time, the clinical significance of this alteration remains unclear.

Breakthrough Genomics
Classification: Uncertain significance. Review status: criteria provided, single submitter. Criteria: ACMG Guidelines, 2015. Collection method: not provided. Allele origin: germline. Inheritance: Autosomal dominant inheritance. Affected: yes.

Natera, Inc.
Classification: Uncertain significance for Dyskeratosis congenita. Last evaluated: 2020-03-04. Review status: no assertion criteria provided. Collection method: clinical testing. Allele origin: germline. Not counted in ClinVar's aggregate classification.